The following is an entry in ClinVar:

ClinVar aggregate classification (germline): Pathogenic/Likely pathogenic. Review status: criteria provided, multiple submitters, no conflicts (2 of 4 stars). 3 submissions from 3 submitters: Pathogenic (1); Likely pathogenic (2). Last evaluated 2025-02-24.

Conditions:
TBCD-related disorder. Also called: TBCD-related condition.

Allele frequency attached by ClinVar (database versions not stated): gnomAD 0.00001; gnomAD exomes 0.00001; TOPMed 0.00001; ExAC 0.00003.

Submissions (3):

GeneDx
Classification: Likely pathogenic. Last evaluated: 2025-02-24. Review status: criteria provided, single submitter. Criteria: GeneDx Variant Classification Process June 2021. Collection method: clinical testing. Allele origin: germline. Affected: yes.
Comment: Nonsense variant predicted to result in protein truncation or nonsense mediated decay in a gene for which loss of function is a known mechanism of disease; Not observed at significant frequency in large population cohorts (gnomAD); Has not been previously published as pathogenic or benign to our knowledge

Labcorp Genetics (formerly Invitae), Labcorp
Classification: Pathogenic. Last evaluated: 2023-08-06. Review status: criteria provided, single submitter. Criteria: Invitae Variant Classification Sherloc (09022015). Collection method: clinical testing. Allele origin: germline.
Comment: This sequence change creates a premature translational stop signal (p.Arg113*) in the TBCD gene. It is expected to result in an absent or disrupted protein product. Loss-of-function variants in TBCD are known to be pathogenic (PMID: 27666370, 27666374). This variant is present in population databases (rs750717767, gnomAD 0.003%). This variant has not been reported in the literature in individuals affected with TBCD-related conditions. ClinVar contains an entry for this variant (Variation ID: 504433). For these reasons, this variant has been classified as Pathogenic.

Blueprint Genetics
Classification: Likely pathogenic for TBCD-related disorders. Last evaluated: 2023-05-22. Review status: criteria provided, single submitter. Criteria: ACMG Guidelines, 2015. Collection method: clinical testing. Allele origin: germline. Affected: yes. Observed: 4 variant alleles.

Literature cited by the submitters: PubMed 27666370 (cited by Labcorp Genetics (formerly Invitae), Labcorp); PubMed 27666374 (cited by Labcorp Genetics (formerly Invitae), Labcorp).

NM_005993.5(TBCD):c.337C>T (p.Arg113Ter)

Gene: TBCD (tubulin folding cofactor D). Cytogenetic location: 17q25.3.
Variant type: single nucleotide variant.
Coding change: c.337C>T on transcript NM_005993.5 (MANE Select); coding-DNA position 337, C replaced by T.
Protein change: p.Arg113Ter; replaces arginine 113 with a stop codon.
Molecular consequence: nonsense.
Genome position (GRCh38, 1-based): chr17:82,766,270, C>T. VCF-style: chr17-82766270-C-T. GRCh37 (hg19) VCF-style: chr17-80724146-C-T.
Other names: short protein forms R113*.
Identifiers: ClinVar variation 504433 (VCV000504433.10), dbSNP rs750717767, ClinGen allele CA8861577.